The following is an entry in ClinVar:

NM_001199138.2(NLRC4):c.1229T>C (p.Leu410Pro)

Gene: NLRC4 (NLR family CARD domain containing 4; minus strand). Cytogenetic location: 2p22.3.
Variant type: single nucleotide variant.
Coding change: c.1229T>C on transcript NM_001199138.2 (MANE Select); coding-DNA position 1229, T replaced by C.
Protein change: p.Leu410Pro; replaces leucine 410 with proline.
Molecular consequence: missense variant. On other transcripts: intron variant (1).
Genome position (GRCh38, 1-based): chr2:32,250,635, A>G on the plus strand (T>C on the coding strand, the complement: NLRC4 is on the minus strand). VCF-style: chr2-32250635-A-G. GRCh37 (hg19) VCF-style: chr2-32475704-A-G.
Other names: c.1229T>C, p.Leu410Pro (NM_001199139.2, NM_021209.5); c.262+1784T>C (NM_001302504.1); short protein forms L410P.
Identifiers: ClinVar variation 645273 (VCV000645273.8), dbSNP rs763562442, ClinGen allele CA346513068.
Genomic context (GRCh38, chr2:32,250,635, plus strand): 5'-TATTTACAGAGGAGCCCAGTTGTCAGCAGGACATCCTCATTCACGCTGGACACATCCTGC[A>G]GTTCGAAATCAAACTTGTGGGAGAACACACCCTCCAGAGCTAGGTCTCCACAGTGGTCCA-3'
Protein context (NP_001186067.1, residues 400-420): GVFSHKFDFE[Leu410Pro]QDVSSVNEDV

ClinVar aggregate classification (germline): Uncertain significance (1 of 4 stars; one submission).

Conditions:
Periodic fever-infantile enterocolitis-autoinflammatory syndrome. Also called: Autoinflammation with infantile enterocolitis. Identifiers: Orphanet 436166, MedGen C4015067, MONDO:0014472, OMIM 616050.
Familial cold autoinflammatory syndrome 4 (FCAS4). Identifiers: Orphanet 47045, Orphanet 576349, MedGen C4015276, MONDO:0014498, OMIM 616115.

Submission:

Labcorp Genetics (formerly Invitae), Labcorp
Classification: Uncertain significance for Periodic fever-infantile enterocolitis-autoinflammatory syndrome; Familial cold autoinflammatory syndrome 4. Last evaluated: 2018-09-10. Review status: criteria provided, single submitter. Criteria: Invitae Variant Classification Sherloc (09022015). Collection method: clinical testing. Allele origin: germline.
Comment: In summary, the available evidence is currently insufficient to determine the role of this variant in disease. Therefore, it has been classified as a Variant of Uncertain Significance. Algorithms developed to predict the effect of missense changes on protein structure and function output the following: SIFT: "Tolerated"; PolyPhen-2: "Benign"; Align-GVGD: "Class C0". The proline amino acid residue is found in multiple mammalian species, suggesting that this missense change does not adversely affect protein function. These predictions have not been confirmed by published functional studies and their clinical significance is uncertain. This variant has not been reported in the literature in individuals with NLRC4-related disease. This variant is not present in population databases (ExAC no frequency). This sequence change replaces leucine with proline at codon 410 of the NLRC4 protein (p.Leu410Pro). The leucine residue is moderately conserved and there is a moderate physicochemical difference between leucine and proline.